The following is an entry in ClinVar:

ClinVar aggregate classification (germline): Pathogenic (1 of 4 stars; one submission).

Conditions:
X-linked intellectual disability Cabezas type (MRXSC). Also called: CABEZAS SYNDROME; MENTAL RETARDATION, X-LINKED, SYNDROMIC 15; Intellectual developmental disorder, X-linked syndromic, Cabezas type. Identifiers: Orphanet 85289, Orphanet 85293, MedGen C1845861, MONDO:0010306, OMIM 300354.

Submission:

Labcorp Genetics (formerly Invitae), Labcorp
Classification: Pathogenic for X-linked intellectual disability Cabezas type. Last evaluated: 2025-06-20. Review status: criteria provided, single submitter. Criteria: Invitae Variant Classification Sherloc (09022015). Collection method: clinical testing. Allele origin: germline.
Comment: This sequence change creates a premature translational stop signal (p.Leu378*) in the CUL4B gene. It is expected to result in an absent or disrupted protein product. Loss-of-function variants in CUL4B are known to be pathogenic (PMID: 17236139, 25385192). This variant is not present in population databases (gnomAD no frequency). This variant has not been reported in the literature in individuals affected with CUL4B-related conditions. For these reasons, this variant has been classified as Pathogenic.

Literature cited by the submitters: PubMed 17236139; PubMed 25385192.

NM_001079872.2(CUL4B):c.1079T>A (p.Leu360Ter)

Gene: CUL4B (cullin 4B; minus strand). Cytogenetic location: Xq24.
Variant type: single nucleotide variant.
Coding change: c.1079T>A on transcript NM_001079872.2 (MANE Select); coding-DNA position 1079, T replaced by A.
Protein change: p.Leu360Ter; replaces leucine 360 with a stop codon.
Molecular consequence: nonsense.
Genome position (GRCh38, 1-based): chrX:120,544,485, A>T on the plus strand (T>A on the coding strand, the complement: CUL4B is on the minus strand). VCF-style: chrX-120544485-A-T. GRCh37 (hg19) VCF-style: chrX-119678340-A-T.
Other names: c.1094T>A, p.Leu365Ter (NM_001330624.2); c.545T>A, p.Leu182Ter (NM_001369145.1); c.1133T>A, p.Leu378Ter (NM_003588.4); short protein forms L378*, L360*, L365*, L182*.
Identifiers: ClinVar variation 4721795 (VCV004721795.1).